The following is an entry in ClinVar:

NM_000075.4(CDK4):c.868C>A (p.Leu290Met)

Genes: CDK4 (cyclin dependent kinase 4; minus strand), TSPAN31 (tetraspanin 31; plus strand). Cytogenetic location: 12q14.1.
Variant type: single nucleotide variant.
Coding change: c.868C>A on transcript NM_000075.4 (MANE Select); coding-DNA position 868, C replaced by A.
Protein change: p.Leu290Met; replaces leucine 290 with methionine.
Molecular consequence: missense variant. On other transcripts: 3 prime UTR variant (3).
Genome position (GRCh38, 1-based): chr12:57,748,569, G>T on the plus strand (C>A on the coding strand, the complement: CDK4 is on the minus strand). VCF-style: chr12-57748569-G-T. GRCh37 (hg19) VCF-style: chr12-58142352-G-T.
Other names: c.*1279G>T (NM_001330168.2, NM_001330169.2, NM_005981.5); short protein forms L290M.
Identifiers: ClinVar variation 495535 (VCV000495535.13), dbSNP rs1555201026, ClinGen allele CA385542386.

ClinVar aggregate classification (germline): Uncertain significance. Review status: criteria provided, multiple submitters, no conflicts (2 of 4 stars). 3 submissions from 3 submitters: Uncertain significance (3). Last evaluated 2024-07-31.

Conditions:
Hereditary cancer-predisposing syndrome. Also called: Tumor predisposition; Neoplastic Syndromes, Hereditary; Hereditary neoplastic syndrome; Hereditary Cancer Syndrome. Identifiers: Orphanet 140162, MedGen C0027672, MeSH D009386, MONDO:0015356.
Familial melanoma. Also called: Hereditary melanoma; Hereditary cutaneous melanoma. Identifiers: Orphanet 618, MedGen C1512419, MONDO:0018961.

Allele frequency attached by ClinVar (database versions not stated): gnomAD exomes below 0.00001.
gnomAD v4.1: 1 of 1,614,012 alleles (0.000062%); highest among the groups gnomAD compares: Non-Finnish European, 0.000085%; no homozygotes.

Submissions (3):

Ambry Genetics
Classification: Uncertain significance for Hereditary cancer-predisposing syndrome. Last evaluated: 2024-07-31. Review status: criteria provided, single submitter. Criteria: Ambry Variant Classification Scheme 2023. Collection method: clinical testing. Allele origin: germline.
Comment: The p.L290M variant (also known as c.868C>A), located in coding exon 7 of the CDK4 gene, results from a C to A substitution at nucleotide position 868. The leucine at codon 290 is replaced by methionine, an amino acid with highly similar properties. This amino acid position is highly conserved in available vertebrate species. In addition, this alteration is predicted to be tolerated by in silico analysis. Since supporting evidence is limited at this time, the clinical significance of this alteration remains unclear.

Labcorp Genetics (formerly Invitae), Labcorp
Classification: Uncertain significance for Familial melanoma. Last evaluated: 2023-10-30. Review status: criteria provided, single submitter. Criteria: Invitae Variant Classification Sherloc (09022015). Collection method: clinical testing. Allele origin: germline.
Comment: This sequence change replaces leucine, which is neutral and non-polar, with methionine, which is neutral and non-polar, at codon 290 of the CDK4 protein (p.Leu290Met). This variant is not present in population databases (gnomAD no frequency). This variant has not been reported in the literature in individuals affected with CDK4-related conditions. ClinVar contains an entry for this variant (Variation ID: 495535). An algorithm developed to predict the effect of missense changes on protein structure and function (PolyPhen-2) suggests that this variant is likely to be disruptive. In summary, the available evidence is currently insufficient to determine the role of this variant in disease. Therefore, it has been classified as a Variant of Uncertain Significance.

Women's Health and Genetics/Laboratory Corporation of America, LabCorp
Classification: Uncertain significance. Last evaluated: 2016-11-25. Review status: criteria provided, single submitter. Criteria: LabCorp Variant Classification Summary - May 2015. Collection method: clinical testing. Allele origin: germline.
Comment: Variant summary: The CDK4 c.868C>A (p.Leu290Met) variant involves the alteration of a conserved nucleotide. 2/4 in silico tools used predict a damging outcome for this variant. This variant is absent in 121182 control chromosomes from ExAC. The variant of interest has not, to our knowledge, been reported in affected individuals via publications and/or reputable databases/clinical diagnostic laboratories; nor evaluated for functional impact by in vivo/vitro studies. Because of the absence of clinical information and the lack of functional studies, the variant is classified as a variant of uncertain significance (VUS) until additional information becomes available.